The following is an entry in ClinVar:

NM_001089.3(ABCA3):c.3229T>A (p.Phe1077Ile)

Gene: ABCA3 (ATP binding cassette subfamily A member 3; minus strand). Cytogenetic location: 16p13.3.
Variant type: single nucleotide variant.
Coding change: c.3229T>A on transcript NM_001089.3 (MANE Select); coding-DNA position 3229, T replaced by A.
Protein change: p.Phe1077Ile; replaces phenylalanine 1077 with isoleucine.
Molecular consequence: missense variant.
Genome position (GRCh38, 1-based): chr16:2,286,743, A>T on the plus strand (T>A on the coding strand, the complement: ABCA3 is on the minus strand). VCF-style: chr16-2286743-A-T. GRCh37 (hg19) VCF-style: chr16-2336744-A-T.
Other names: short protein forms F1077I.
Identifiers: ClinVar variation 1729154 (VCV001729154.6), dbSNP rs1195611781, ClinGen allele CA394319330.

ClinVar aggregate classification (germline): Pathogenic/Likely pathogenic. Review status: criteria provided, multiple submitters, no conflicts (2 of 4 stars). 4 submissions from 4 submitters: Pathogenic (1); Likely pathogenic (3). Last evaluated 2026-05-11.

Conditions:
Hereditary pulmonary alveolar proteinosis. Also called: Pulmonary surfactant metabolism dysfunction. Identifiers: Orphanet 264675, MedGen C3711368, MONDO:0012580.
Interstitial lung disease due to ABCA3 deficiency. Also called: PULMONARY ALVEOLAR PROTEINOSIS, CONGENITAL, 3. Identifiers: Orphanet 440402, MedGen C1970456, MONDO:0012582, OMIM 610921.

Submissions (4):

Ambry Genetics
Classification: Likely pathogenic for Hereditary pulmonary alveolar proteinosis. Last evaluated: 2026-05-11. Review status: criteria provided, single submitter. Criteria: Ambry Variant Classification Scheme 2023. Collection method: clinical testing. Allele origin: germline.
Comment: The p.F1077I variant (also known as c.3229T>A), located in coding exon 19 of the ABCA3 gene, results from a T to A substitution at nucleotide position 3229. The phenylalanine at codon 1077 is replaced by isoleucine, an amino acid with highly similar properties. This variant has been identified in the homozygous state and/or in conjunction with other ABCA3 variant(s) in individual(s) with features consistent with ABCA3-related pulmonary surfactant metabolism dysfunction (Wambach JA et al. Am J Respir Crit Care Med, 2014 Jun;189:1538-43; Kr&ouml;ner C et al. Thorax, 2017 Mar;72:213-220; Fleury M et al. Pediatr Pulmonol, 2025 Oct;60:e71324; Ambry internal data). In an assay testing ABCA3 function, this variant showed a functionally abnormal result (Yang X et al. Int J Mol Sci, 2023 May;24:[ePub ahead of print]). This amino acid position is poorly conserved in available vertebrate species. In addition, this alteration is predicted to be tolerated by in silico analysis. This variant is considered to be rare based on population cohorts in the Genome Aggregation Database (gnomAD). Based on the majority of available evidence to date, this variant is likely to be pathogenic.

Myriad Genetics, Inc.
Classification: Likely pathogenic for Interstitial lung disease due to ABCA3 deficiency. Last evaluated: 2025-11-14. Review status: criteria provided, single submitter. Criteria: Myriad Autosomal Dominant, Autosomal Recessive and X-Linked Classification Criteria (2023). Collection method: clinical testing. Allele origin: unknown.
Comment: NM_001089.2(ABCA3):c.3229T>A(F1077I) is a missense variant classified as likely pathogenic in the context of surfactant deficiency, ABCA3-related. F1077I has been observed in cases with relevant disease (PMID: 27516224, 24871971, 41090249). Relevant functional assessments of this variant are available in the literature (PMID: 37108718, 37175887). Internal structural analysis of the variant is supportive of pathogenicity. F1077I has been observed in referenced population frequency databases. In summary, NM_001089.2(ABCA3):c.3229T>A(F1077I) is a missense variant that has internal structural support for pathogenicity and has been observed more frequently in cases with the relevant disease than in healthy populations. Please note: this variant was assessed in the context of healthy population screening.

Labcorp Genetics (formerly Invitae), Labcorp
Classification: Likely pathogenic. Last evaluated: 2025-06-03. Review status: criteria provided, single submitter. Criteria: Invitae Variant Classification Sherloc (09022015). Collection method: clinical testing. Allele origin: germline.
Comment: This sequence change replaces phenylalanine, which is neutral and non-polar, with isoleucine, which is neutral and non-polar, at codon 1077 of the ABCA3 protein (p.Phe1077Ile). This variant is present in population databases (no rsID available, gnomAD 0.003%). This missense change has been observed in individual(s) with clinical features of autosomal recessive ABCA3-related conditions (PMID: 24871971, 27516224; internal data). ClinVar contains an entry for this variant (Variation ID: 1729154). Invitae Evidence Modeling of protein sequence and biophysical properties (such as structural, functional, and spatial information, amino acid conservation, physicochemical variation, residue mobility, and thermodynamic stability) indicates that this missense variant is not expected to disrupt ABCA3 protein function with a negative predictive value of 80%. Experimental studies have shown that this missense change affects ABCA3 function (PMID: 37108718, 37175887). This variant disrupts the p.Phe1077 amino acid residue in ABCA3. Other variant(s) that disrupt this residue have been observed in individuals with ABCA3-related conditions (PMID: 24871971), which suggests that this may be a clinically significant amino acid residue. In summary, the currently available evidence indicates that the variant is pathogenic, but additional data are needed to prove that conclusively. Therefore, this variant has been classified as Likely Pathogenic.

Women's Health and Genetics/Laboratory Corporation of America, LabCorp
Classification: Pathogenic for Interstitial lung disease due to ABCA3 deficiency. Last evaluated: 2025-02-24. Review status: criteria provided, single submitter. Criteria: LabCorp Variant Classification Summary - May 2015. Collection method: clinical testing. Allele origin: germline.
Comment: Variant summary: ABCA3 c.3229T>A (p.Phe1077Ile) results in a non-conservative amino acid change located in the ABC-2 family transporter protein domain (IPR013525) of the encoded protein sequence. Four of five in-silico tools predict a benign effect of the variant on protein function. The variant allele was found at a frequency of 4e-06 in 251216 control chromosomes. c.3229T>A has been reported in the homozygous and presumed compound heterozygous state in multiple individuals in the literature affected with clinical features of Pulmonary surfactant metabolism dysfunction (example, Kroner_2017, Li_2023, Wambach_2014, Yang_2023). These data indicate that the variant is likely to be associated with disease. At least one publication reports experimental evidence evaluating an impact on protein function. The most pronounced variant effect results in <10% of normal activity in vitro (example, Yang_2023). The following publications have been ascertained in the context of this evaluation (PMID: 27516224, 36808083, 24871971, 37108718, 37175887). ClinVar contains an entry for this variant (Variation ID: 1729154). Based on the evidence outlined above, the variant was classified as pathogenic.

Literature cited by the submitters: PubMed 24871971 (cited by 4 submitters); PubMed 27516224 (cited by 4 submitters); PubMed 37175887 (cited by 4 submitters); PubMed 41090249 (cited by Ambry Genetics and Myriad Genetics, Inc.); PubMed 37108718 (cited by 3 submitters); PubMed 36808083 (cited by Women's Health and Genetics/Laboratory Corporation of America, LabCorp).